The following is an entry in ClinVar:

NM_001329943.3(KIAA0586):c.745G>A (p.Val249Met)

Gene: KIAA0586 (KIAA0586; plus strand). Cytogenetic location: 14q23.1.
Variant type: single nucleotide variant.
Coding change: c.745G>A on transcript NM_001329943.3 (MANE Select); coding-DNA position 745, G replaced by A.
Protein change: p.Val249Met; replaces valine 249 with methionine.
Molecular consequence: missense variant.
Genome position (GRCh38, 1-based): chr14:58,444,113, G>A. VCF-style: chr14-58444113-G-A. GRCh37 (hg19) VCF-style: chr14-58910831-G-A.
Other names: c.904G>A, p.Val302Met (NM_001244189.2); c.700G>A, p.Val234Met (NM_001244190.2); c.490G>A, p.Val164Met (NM_001244191.2, NM_001329945.2, NM_001364700.1 and 1 more transcripts); c.613G>A, p.Val205Met (NM_001244192.2); c.325G>A, p.Val109Met (NM_001244193.2); c.745G>A, p.Val249Met (NM_001329944.2, NM_001329946.2, NM_001329947.2 and 1 more transcripts); short protein forms V109M, V164M, V249M, V205M, V234M, V302M.
Identifiers: ClinVar variation 1408275 (VCV001408275.8), dbSNP rs2140567428, ClinGen allele CA389862809.

ClinVar aggregate classification (germline): Uncertain significance (1 of 4 stars; one submission).

Conditions:
Joubert syndrome 23 (JBTS23). Identifiers: Orphanet 475, MedGen C4084822, MONDO:0014664, OMIM 616490.
Short-rib thoracic dysplasia 14 with polydactyly (SRTD14). Identifiers: Orphanet 397715, MedGen C4225286, MONDO:0014688, OMIM 616546.

Submission:

Labcorp Genetics (formerly Invitae), Labcorp
Classification: Uncertain significance for Joubert syndrome 23; Short-rib thoracic dysplasia 14 with polydactyly. Last evaluated: 2021-07-27. Review status: criteria provided, single submitter. Criteria: Invitae Variant Classification Sherloc (09022015). Collection method: clinical testing. Allele origin: germline.
Comment: In summary, the available evidence is currently insufficient to determine the role of this variant in disease. Therefore, it has been classified as a Variant of Uncertain Significance. Algorithms developed to predict the effect of missense changes on protein structure and function output the following: SIFT: "Deleterious"; PolyPhen-2: "Benign"; Align-GVGD: "Class C0". The methionine amino acid residue is found in multiple mammalian species, suggesting that this missense change does not adversely affect protein function. These predictions have not been confirmed by published functional studies and their clinical significance is uncertain. This variant has not been reported in the literature in individuals with KIAA0586-related conditions. This variant is not present in population databases (ExAC no frequency). This sequence change replaces valine with methionine at codon 302 of the KIAA0586 protein (p.Val302Met). The valine residue is moderately conserved and there is a small physicochemical difference between valine and methionine.